The following is an entry in ClinVar:

NM_078480.3(PUF60):c.66G>A (p.Ala22=)

Gene: PUF60 (poly(U) binding splicing factor 60; minus strand). Cytogenetic location: 8q24.3.
Variant type: single nucleotide variant.
Coding change: c.66G>A on transcript NM_078480.3 (MANE Select); coding-DNA position 66, G replaced by A.
Protein change: p.Ala22=; no amino-acid change (alanine 22 retained).
Molecular consequence: synonymous variant. On other transcripts: 5 prime UTR variant (2), genic upstream transcript variant (2).
Genome position (GRCh38, 1-based): chr8:143,824,358, C>T on the plus strand (G>A on the coding strand, the complement: PUF60 is on the minus strand). VCF-style: chr8-143824358-C-T. GRCh37 (hg19) VCF-style: chr8-144906528-C-T.
Other names: c.-64G>A (NM_001136033.3, NM_001271100.2); c.63G>A, p.Ala21= (NM_001271096.2, NM_001271098.2); c.177G>A, p.Ala59= (NM_001362895.2, NM_001362896.2, NM_001362897.2); c.66G>A, p.Ala22= (NM_014281.5); c.25-2445G>A (NM_001271097.2, NM_001271099.2).
Identifiers: ClinVar variation 2637706 (VCV002637706.1), dbSNP rs375142105, ClinGen allele CA187593262.

ClinVar aggregate classification (germline): Likely benign (1 of 4 stars; one submission).

Allele frequency attached by ClinVar (database versions not stated): 1000 Genomes Project 30x 0.00031.
gnomAD v4.1: 49 of 1,612,624 alleles (0.003%); highest among the groups gnomAD compares: Admixed American, 0.028%; 1 homozygote.

Submission:

Women's Health and Genetics/Laboratory Corporation of America, LabCorp
Classification: Likely benign. Last evaluated: 2023-10-12. Review status: criteria provided, single submitter. Criteria: LabCorp Variant Classification Summary - May 2015. Collection method: clinical testing. Allele origin: germline.
Comment: Variant summary: PUF60 c.66G>A alters a conserved nucleotide resulting in a synonymous change. Consensus agreement among computation tools predict no significant impact on normal splicing. However, these predictions have yet to be confirmed by functional studies. The variant allele was found at a frequency of 7e-05 in 242666 control chromosomes. To our knowledge, no occurrence of c.66G>A in individuals affected with Verheij Syndrome and no experimental evidence demonstrating its impact on protein function have been reported. No submitters have cited clinical-significance assessments for this variant to ClinVar after 2014. Based on the evidence outlined above, the variant was classified as likely benign.